The following is an entry in ClinVar:

NM_001130823.3(DNMT1):c.925C>A (p.Leu309Ile)

Gene: DNMT1 (DNA methyltransferase 1; minus strand). Cytogenetic location: 19p13.2.
Variant type: single nucleotide variant.
Coding change: c.925C>A on transcript NM_001130823.3 (MANE Select); coding-DNA position 925, C replaced by A.
Protein change: p.Leu309Ile; replaces leucine 309 with isoleucine.
Molecular consequence: missense variant.
Genome position (GRCh38, 1-based): chr19:10,163,327, G>T on the plus strand (C>A on the coding strand, the complement: DNMT1 is on the minus strand). VCF-style: chr19-10163327-G-T. GRCh37 (hg19) VCF-style: chr19-10274003-G-T.
Other names: c.877C>A, p.Leu293Ile (NM_001318730.2, NM_001379.4); c.562C>A, p.Leu188Ile (NM_001318731.2); short protein forms L188I, L293I, L309I.
Identifiers: ClinVar variation 4279527 (VCV004279527.2).

ClinVar aggregate classification (germline): Uncertain significance. Review status: criteria provided, multiple submitters, no conflicts (2 of 4 stars). 2 submissions from 2 submitters: Uncertain significance (2). Last evaluated 2025-05-27.

Conditions:
Hereditary sensory neuropathy-deafness-dementia syndrome. Also called: HSN IE; NEUROPATHY, HEREDITARY SENSORY, WITH HEARING LOSS AND DEMENTIA; Hereditary sensory neuropathy type IE; Hereditary Sensory and Autonomic Neuropathy Type 1E (HSAN1E). Identifiers: Orphanet 456318, MedGen C3279885, MONDO:0013584, OMIM 614116.

Submissions (2):

Department of Paediatrics at Addenbrookes, Cambridge University Hospitals NHS Foundation Trust (UK)
Classification: Uncertain significance for Hereditary sensory neuropathy-deafness-dementia syndrome. Last evaluated: 2025-05-27. Review status: criteria provided, single submitter. Criteria: Durkie Uk Practice Guidelines For Variant Classification V12 2024 (1). Collection method: clinical testing. Allele origin: unknown.
Comment: PM2_Moderate; BP4_Supporting

Blueprint Genetics
Classification: Uncertain significance. Last evaluated: 2023-10-26. Review status: criteria provided, single submitter. Criteria: ACMG Guidelines, 2015. Collection method: clinical testing. Allele origin: germline.